The following is an entry in ClinVar:

ClinVar aggregate classification (germline): Uncertain significance (0 of 4 stars; one submission).

Conditions:
RALGAPA1-related disorder. Also called: RALGAPA1-related condition.

gnomAD v4.1: 13 of 1,241,784 alleles (0.001%); highest among the groups gnomAD compares: Non-Finnish European, 0.0013%; no homozygotes.

Submission:

PreventionGenetics, part of Exact Sciences
Classification: Uncertain significance for RALGAPA1-related condition. Last evaluated: 2024-03-08. Review status: no assertion criteria provided. Collection method: clinical testing. Allele origin: germline.
Comment: The RALGAPA1 c.2843A>T variant is predicted to result in the amino acid substitution p.Lys948Met. To our knowledge, this variant has not been reported in the literature or in a large population database, indicating this variant is rare. At this time, the clinical significance of this variant is uncertain due to the absence of conclusive functional and genetic evidence.

NM_001346249.2(RALGAPA1):c.2843A>T (p.Lys948Met)

Gene: RALGAPA1 (Ral GTPase activating protein catalytic subunit alpha 1; minus strand). Cytogenetic location: 14q13.2.
Variant type: single nucleotide variant.
Coding change: c.2843A>T on transcript NM_001346249.2 (MANE Select); coding-DNA position 2843, A replaced by T.
Protein change: p.Lys948Met; replaces lysine 948 with methionine.
Molecular consequence: missense variant. On other transcripts: intron variant (8).
Genome position (GRCh38, 1-based): chr14:35,689,568, T>A on the plus strand (A>T on the coding strand, the complement: RALGAPA1 is on the minus strand). VCF-style: chr14-35689568-T-A. GRCh37 (hg19) VCF-style: chr14-36158774-T-A.
Other names: c.2702A>T, p.Lys901Met (NM_001330075.3, NM_001346248.2); c.2434+268A>T (NM_194301.4, NM_001346246.2, NM_014990.3 and 2 more transcripts); c.2575+268A>T (NM_001346247.2, NM_001283044.3, NM_001346245.2); short protein forms K901M, K948M.
Identifiers: ClinVar variation 3357796 (VCV003357796.1).
Genomic context (GRCh38, chr14:35,689,568, plus strand): 5'-ACTTCCTGAGAAGCTGGGTCTTTCCCTGTCTCATTTTTACTATGATTTTCCTGGTTTTCC[T>A]TAAAATATTCTTTCAGGGTGGAAAGAAGATCATCATCTCCTTCAAGGTCAATGTACTGGA-3'
Protein context (NP_001333178.1, residues 938-958): DLLSTLKEYF[Lys948Met]ENQENHSKNE